The following is an entry in ClinVar:

ClinVar aggregate classification (germline): Uncertain significance (1 of 4 stars; one submission).

Conditions:
Gorlin syndrome. Also called: Nevoid Basal Cell Carcinoma Syndrome; Basal cell nevus syndrome. Identifiers: Orphanet 377, MedGen C0004779, MONDO:0007187.

Submission:

Labcorp Genetics (formerly Invitae), Labcorp
Classification: Uncertain significance for Gorlin syndrome. Last evaluated: 2023-03-09. Review status: criteria provided, single submitter. Criteria: Invitae Variant Classification Sherloc (09022015). Collection method: clinical testing. Allele origin: germline.
Comment: This sequence change falls in intron 20 of the PTCH2 gene. It does not directly change the encoded amino acid sequence of the PTCH2 protein. This variant is not present in population databases (gnomAD no frequency). This variant has not been reported in the literature in individuals affected with PTCH2-related conditions. Algorithms developed to predict the effect of sequence changes on RNA splicing suggest that this variant may create or strengthen a splice site. In summary, the available evidence is currently insufficient to determine the role of this variant in disease. Therefore, it has been classified as a Variant of Uncertain Significance.

NM_003738.5(PTCH2):c.3258-7C>A

Gene: PTCH2 (patched 2; minus strand). Cytogenetic location: 1p34.1.
Variant type: single nucleotide variant.
Coding change: c.3258-7C>A on transcript NM_003738.5 (MANE Select); 7 bases into the intron before coding-DNA position 3258, C replaced by A.
Molecular consequence: intron variant.
Genome position (GRCh38, 1-based): chr1:44,823,175, G>T on the plus strand (C>A on the coding strand, the complement: PTCH2 is on the minus strand). VCF-style: chr1-44823175-G-T. GRCh37 (hg19) VCF-style: chr1-45288847-G-T.
Other names: c.3258-7C>A (NM_001166292.2).
Identifiers: ClinVar variation 2844341 (VCV002844341.3), dbSNP rs1045954326, ClinGen allele CA2739272529.